The following is an entry in ClinVar:

NM_020754.4(ARHGAP31):c.3590C>A (p.Ala1197Asp)

Gene: ARHGAP31 (Rho GTPase activating protein 31; plus strand). Cytogenetic location: 3q13.33.
Variant type: single nucleotide variant.
Coding change: c.3590C>A on transcript NM_020754.4 (MANE Select); coding-DNA position 3590, C replaced by A.
Protein change: p.Ala1197Asp; replaces alanine 1197 with aspartic acid.
Molecular consequence: missense variant.
Genome position (GRCh38, 1-based): chr3:119,415,519, C>A. VCF-style: chr3-119415519-C-A. GRCh37 (hg19) VCF-style: chr3-119134366-C-A.
Other names: short protein forms A1197D.
Identifiers: ClinVar variation 2180176 (VCV002180176.4), dbSNP rs760212220, ClinGen allele CA2554220.
Genomic context (GRCh38, chr3:119,415,519, plus strand): 5'-ACTCAGCTCCTGTGAGTGTGTCAGCTGTGAGAACCTCCTTCATGGTCAAAATGTGCCAGG[C>A]CAGGGCGGTCCCAGTCATCCCTCCCAAGATTCAGTACACCCAGATCCCACAGCCCCTGCC-3'
Protein context (NP_065805.2, residues 1187-1207): RTSFMVKMCQ[Ala1197Asp]RAVPVIPPKI

ClinVar aggregate classification (germline): Uncertain significance (1 of 4 stars; one submission).

Allele frequency attached by ClinVar (database versions not stated): gnomAD 0.00001; gnomAD exomes 0.00001; ExAC 0.00002.
gnomAD v4.1: 13 of 1,613,980 alleles (0.00081%); highest among the groups gnomAD compares: South Asian, 0.0011%; no homozygotes.

Submission:

Labcorp Genetics (formerly Invitae), Labcorp
Classification: Uncertain significance. Last evaluated: 2024-03-06. Review status: criteria provided, single submitter. Criteria: Invitae Variant Classification Sherloc (09022015). Collection method: clinical testing. Allele origin: germline.
Comment: This sequence change replaces alanine, which is neutral and non-polar, with aspartic acid, which is acidic and polar, at codon 1197 of the ARHGAP31 protein (p.Ala1197Asp). This variant is present in population databases (rs760212220, gnomAD 0.003%). This variant has not been reported in the literature in individuals affected with ARHGAP31-related conditions. ClinVar contains an entry for this variant (Variation ID: 2180176). An algorithm developed to predict the effect of missense changes on protein structure and function (PolyPhen-2) suggests that this variant is likely to be disruptive. In summary, the available evidence is currently insufficient to determine the role of this variant in disease. Therefore, it has been classified as a Variant of Uncertain Significance.